The following is an entry in ClinVar:

ClinVar aggregate classification (germline): Likely benign. Review status: criteria provided, multiple submitters, no conflicts (2 of 4 stars). 2 submissions from 2 submitters: Likely benign (2). Last evaluated 2024-06-06.

Conditions:
Osteogenesis imperfecta type I (OI1). Also called: Lobstein disease; OI, TYPE I; OSTEOGENESIS IMPERFECTA TARDA; OSTEOGENESIS IMPERFECTA WITH BLUE SCLERAE; Classic Non-deforming Osteogenesis Imperfecta with Blue Sclerae; Osteogenesis imperfecta type 1. Identifiers: Orphanet 216796, Orphanet 666, MedGen C0023931, MONDO:0008146, OMIM 166200. Disease mechanism: loss of function.

Allele frequency attached by ClinVar (database versions not stated): gnomAD exomes below 0.00001; TOPMed below 0.00001; ExAC 0.00001.

Submissions (2):

Labcorp Genetics (formerly Invitae), Labcorp
Classification: Likely benign for Osteogenesis imperfecta type I. Last evaluated: 2024-06-06. Review status: criteria provided, single submitter. Criteria: Invitae Variant Classification Sherloc (09022015). Collection method: clinical testing. Allele origin: germline.

CeGaT Center for Human Genetics Tuebingen
Classification: Likely benign. Last evaluated: 2022-08-01. Review status: criteria provided, single submitter. Criteria: CeGaT Center For Human Genetics Tuebingen Variant Classification Criteria Version 2. Collection method: clinical testing. Allele origin: germline. Affected: yes. Observed: 1 variant allele.
Comment: COL1A1: BP4

NM_000088.4(COL1A1):c.299-4C>T

Gene: COL1A1 (collagen type I alpha 1 chain; minus strand). Cytogenetic location: 17q21.33.
Variant type: single nucleotide variant.
Coding change: c.299-4C>T on transcript NM_000088.4 (MANE Select); 4 bases into the intron before coding-DNA position 299, C replaced by T.
Molecular consequence: intron variant.
Genome position (GRCh38, 1-based): chr17:50,199,594, G>A on the plus strand (C>T on the coding strand, the complement: COL1A1 is on the minus strand). VCF-style: chr17-50199594-G-A. GRCh37 (hg19) VCF-style: chr17-48276955-G-A.
Identifiers: ClinVar variation 1670451 (VCV001670451.38), dbSNP rs780745594, ClinGen allele CA8645762.